The following is an entry in ClinVar:

ClinVar aggregate classification (germline): Pathogenic (1 of 4 stars; one submission).

Conditions:
Chromosome 2q32-q33 deletion syndrome (GLASS). Also called: 2q33.1 deletion syndrome; Glass syndrome. Identifiers: Orphanet 251019, MedGen C2676739, MONDO:0012864, OMIM 612313.

Submission:

Labcorp Genetics (formerly Invitae), Labcorp
Classification: Pathogenic for Chromosome 2q32-q33 deletion syndrome. Last evaluated: 2024-07-29. Review status: criteria provided, single submitter. Criteria: Invitae Variant Classification Sherloc (09022015). Collection method: clinical testing. Allele origin: germline.
Comment: This sequence change creates a premature translational stop signal (p.Pro26Alafs*49) in the SATB2 gene. It is expected to result in an absent or disrupted protein product. Loss-of-function variants in SATB2 are known to be pathogenic (PMID: 25885067). This variant is not present in population databases (gnomAD no frequency). This variant has not been reported in the literature in individuals affected with SATB2-related conditions. For these reasons, this variant has been classified as Pathogenic.

Literature cited by the submitters: PubMed 25885067.

NM_001172509.2(SATB2):c.75dup (p.Pro26fs)

Gene: SATB2 (SATB homeobox 2; minus strand). Cytogenetic location: 2q33.1.
Variant type: Duplication.
Coding change: c.75dup on transcript NM_001172509.2 (MANE Select); coding-DNA position 75, one base duplicated (G; older notation c.75dupG).
Protein change: p.Pro26fs; shifts the reading frame from proline 26.
Molecular consequence: frameshift variant. On other transcripts: non-coding transcript variant (1).
Genome position (GRCh38, 1-based): chr2:199,455,963, C duplicated on the plus strand (G on the coding strand, the reverse complement: SATB2 is on the minus strand); the first of 4 consecutive C bases (chr2:199,455,963-199,455,966); duplicating any one gives the same sequence. VCF-style (leftmost placement, unchanged base first): chr2-199455962-G-GC. GRCh37 (hg19) VCF-style: chr2-200320685-G-GC.
Other names: c.75dup, p.Pro26fs (NM_001172517.1, NM_015265.4); short protein forms P26fs.
Identifiers: ClinVar variation 2851721 (VCV002851721.3), dbSNP rs1574645416, ClinGen allele CA2739277939.